The following is an entry in ClinVar:

ClinVar aggregate classification (germline): Likely benign. Review status: criteria provided, multiple submitters, no conflicts (2 of 4 stars). 3 submissions from 3 submitters: Likely benign (2). 1 of the submissions does not count toward it. Last evaluated 2026-01-27.

Conditions:
Vici syndrome (VICIS). Identifiers: Orphanet 1493, MedGen C1855772, MONDO:0009452, OMIM 242840.
EPG5-related disorder. Also called: EPG5-related condition. Identifiers: MedGen CN381528.

Allele frequency attached by ClinVar (database versions not stated): TOPMed 0.00013; ExAC 0.00015; gnomAD 0.00017; gnomAD exomes 0.00018; ESP Exome Variant Server 0.00033.
gnomAD v4.1: 305 of 1,613,896 alleles (0.019%); highest among the groups gnomAD compares: Non-Finnish European, 0.024%; no homozygotes.

Submissions (3):

Labcorp Genetics (formerly Invitae), Labcorp
Classification: Likely benign for Vici syndrome. Last evaluated: 2026-01-27. Review status: criteria provided, single submitter. Criteria: Invitae Variant Classification Sherloc (09022015). Collection method: clinical testing. Allele origin: germline.

Blueprint Genetics
Classification: Likely benign. Last evaluated: 2024-05-14. Review status: criteria provided, single submitter. Criteria: ACMG Guidelines, 2015. Collection method: clinical testing. Allele origin: germline.

PreventionGenetics, part of Exact Sciences
Classification: Likely benign for EPG5-related condition. Last evaluated: 2024-08-14. Review status: no assertion criteria provided. Collection method: clinical testing. Allele origin: germline. Not counted in ClinVar's aggregate classification.
Comment: This variant is classified as likely benign based on ACMG/AMP sequence variant interpretation guidelines (Richards et al. 2015 PMID: 25741868, with internal and published modifications).

NM_020964.3(EPG5):c.6147C>T (p.Tyr2049=)

Gene: EPG5 (ectopic P-granules 5 autophagy tethering factor; minus strand). Cytogenetic location: 18q12.3.
Variant type: single nucleotide variant.
Coding change: c.6147C>T on transcript NM_020964.3 (MANE Select); coding-DNA position 6147, C replaced by T.
Protein change: p.Tyr2049=; no amino-acid change (tyrosine 2049 retained).
Molecular consequence: synonymous variant.
Genome position (GRCh38, 1-based): chr18:45,870,645, G>A on the plus strand (C>T on the coding strand, the complement: EPG5 is on the minus strand). VCF-style: chr18-45870645-G-A. GRCh37 (hg19) VCF-style: chr18-43450610-G-A.
Identifiers: ClinVar variation 710769 (VCV000710769.13), dbSNP rs371980254, ClinGen allele CA8948362.